The following is an entry in ClinVar:

ClinVar aggregate classification (germline): Uncertain significance. Review status: criteria provided, multiple submitters, no conflicts (2 of 4 stars). 3 submissions from 3 submitters: Uncertain significance (2). 1 of the submissions does not count toward it. Last evaluated 2026-02-04.

Conditions:
NOTCH2-related disorder. Also called: NOTCH2-related condition.
Hajdu-Cheney syndrome (HJCYS). Also called: ACROOSTEOLYSIS WITH OSTEOPOROSIS AND CHANGES IN SKULL AND MANDIBLE; SERPENTINE FIBULA-POLYCYSTIC KIDNEY SYNDROME; Acroosteolysis dominant type. Identifiers: Orphanet 955, MedGen C0917715, MONDO:0007057, OMIM 102500.

Allele frequency attached by ClinVar (database versions not stated): gnomAD exomes 0.00001; gnomAD 0.00004 and 0.00005; TOPMed 0.00005; ESP Exome Variant Server 0.00008.
gnomAD v4.1: 24 of 1,614,020 alleles (0.0015%); highest among the groups gnomAD compares: African/African-American, 0.015%; no homozygotes.

Submissions (3):

PreventionGenetics, part of Exact Sciences
Classification: Uncertain significance for NOTCH2-related condition. Last evaluated: 2026-02-04. Review status: criteria provided, single submitter. Criteria: ACMG Guidelines, 2015. Collection method: clinical testing. Allele origin: germline.
Comment: The NOTCH2 c.4820G>A variant is predicted to result in the amino acid substitution p.Arg1607His. To our knowledge, this variant has not been reported in the literature in individuals with NOTCH2-related disease. This variant is reported in 0.012% of alleles in individuals of African descent in gnomAD, which may be too common to be a primary cause of disease. Although we suspect this variant may be benign, at this time, the clinical significance of this variant is uncertain due to the absence of conclusive functional and genetic evidence.

Labcorp Genetics (formerly Invitae), Labcorp
Classification: Uncertain significance for Hajdu-Cheney syndrome. Last evaluated: 2024-09-18. Review status: criteria provided, single submitter. Criteria: Invitae Variant Classification Sherloc (09022015). Collection method: clinical testing. Allele origin: germline.
Comment: This sequence change replaces arginine, which is basic and polar, with histidine, which is basic and polar, at codon 1607 of the NOTCH2 protein (p.Arg1607His). This variant is present in population databases (rs372710038, gnomAD 0.01%). This variant has not been reported in the literature in individuals affected with NOTCH2-related conditions. ClinVar contains an entry for this variant (Variation ID: 134976). Invitae Evidence Modeling of protein sequence and biophysical properties (such as structural, functional, and spatial information, amino acid conservation, physicochemical variation, residue mobility, and thermodynamic stability) indicates that this missense variant is not expected to disrupt NOTCH2 protein function with a negative predictive value of 95%. In summary, the available evidence is currently insufficient to determine the role of this variant in disease. Therefore, it has been classified as a Variant of Uncertain Significance.

ITMI
No classification provided. Condition: AllHighlyPenetrant. Last evaluated: 2013-09-19. Review status: no classification provided. Collection method: reference population. Allele origin: germline. Not counted in ClinVar's aggregate classification.
Comment: Please see associated publication for description of ethnicities

Literature cited by the submitters: PubMed 24728327 (cited by ITMI).

NM_024408.4(NOTCH2):c.4820G>A (p.Arg1607His)

Gene: NOTCH2 (notch receptor 2; minus strand). Cytogenetic location: 1p12.
Variant type: single nucleotide variant.
Coding change: c.4820G>A on transcript NM_024408.4 (MANE Select); coding-DNA position 4820, G replaced by A.
Protein change: p.Arg1607His; replaces arginine 1607 with histidine.
Molecular consequence: missense variant.
Genome position (GRCh38, 1-based): chr1:119,923,676, C>T on the plus strand (G>A on the coding strand, the complement: NOTCH2 is on the minus strand). VCF-style: chr1-119923676-C-T. GRCh37 (hg19) VCF-style: chr1-120466299-C-T.
Other names: c.4820G>A (NM_024408.3); short protein forms R1607H.
Identifiers: ClinVar variation 134976 (VCV000134976.5), dbSNP rs372710038, ClinGen allele CA161279.